The following is an entry in ClinVar:

NM_001349245.1(TRAK1):c.-285A>G

Gene: TRAK1 (trafficking kinesin protein 1; plus strand). Cytogenetic location: 3p22.1.
Variant type: single nucleotide variant.
Coding change: c.-285A>G on transcript NM_001349245.1; 285 bases upstream of the start codon, A replaced by G.
Molecular consequence: 5 prime UTR variant. On other transcripts: non-coding transcript variant (1).
Genome position (GRCh38, 1-based): chr3:42,087,337, A>G. VCF-style: chr3-42087337-A-G. GRCh37 (hg19) VCF-style: chr3-42128829-A-G.
Identifiers: ClinVar variation 1675911 (VCV001675911.32), dbSNP rs757732298, ClinGen allele CA74298840.

ClinVar aggregate classification (germline): Uncertain significance (1 of 4 stars; one submission).

Allele frequency attached by ClinVar (database versions not stated): TOPMed 0.00008.

Submission:

CeGaT Center for Human Genetics Tuebingen
Classification: Uncertain significance. Last evaluated: 2022-03-01. Review status: criteria provided, single submitter. Criteria: CeGaT Center For Human Genetics Tuebingen Variant Classification Criteria Version 2. Collection method: clinical testing. Allele origin: germline. Affected: yes. Observed: 1 variant allele.
Comment: TRAK1: PM2, BP4